The following is an entry in ClinVar:

ClinVar aggregate classification (germline): Uncertain significance. Review status: criteria provided, multiple submitters, no conflicts (2 of 4 stars). 2 submissions from 2 submitters: Uncertain significance (2). Last evaluated 2022-04-23.

Conditions:
Cardiovascular phenotype. Identifiers: MedGen CN230736.
Lethal congenital glycogen storage disease of heart. Also called: GLYCOGEN STORAGE DISEASE OF HEART; PHOSPHORYLASE KINASE DEFICIENCY OF HEART. Identifiers: Orphanet 439854, MedGen C1849813, MONDO:0009867, OMIM 261740.

Submissions (2):

Labcorp Genetics (formerly Invitae), Labcorp
Classification: Uncertain significance for Lethal congenital glycogen storage disease of heart. Last evaluated: 2022-04-23. Review status: criteria provided, single submitter. Criteria: Invitae Variant Classification Sherloc (09022015). Collection method: clinical testing. Allele origin: germline.
Comment: In summary, the available evidence is currently insufficient to determine the role of this variant in disease. Therefore, it has been classified as a Variant of Uncertain Significance. Advanced modeling of protein sequence and biophysical properties (such as structural, functional, and spatial information, amino acid conservation, physicochemical variation, residue mobility, and thermodynamic stability) performed at Invitae indicates that this missense variant is expected to disrupt PRKAG2 protein function. This variant has not been reported in the literature in individuals affected with PRKAG2-related conditions. This variant is not present in population databases (gnomAD no frequency). This sequence change replaces leucine, which is neutral and non-polar, with valine, which is neutral and non-polar, at codon 556 of the PRKAG2 protein (p.Leu556Val).

Ambry Genetics
Classification: Uncertain significance for Cardiovascular phenotype. Last evaluated: 2021-09-10. Review status: criteria provided, single submitter. Criteria: Ambry Variant Classification Scheme 2023. Collection method: clinical testing. Allele origin: germline.
Comment: The p.L556V variant (also known as c.1666C>G), located in coding exon 15 of the PRKAG2 gene, results from a C to G substitution at nucleotide position 1666. The leucine at codon 556 is replaced by valine, an amino acid with highly similar properties. This amino acid position is conserved. In addition, this alteration is predicted to be deleterious by in silico analysis. Since supporting evidence is limited at this time, the clinical significance of this alteration remains unclear.

NM_016203.4(PRKAG2):c.1666C>G (p.Leu556Val)

Gene: PRKAG2 (protein kinase AMP-activated non-catalytic subunit gamma 2; minus strand). Cytogenetic location: 7q36.1.
Variant type: single nucleotide variant.
Coding change: c.1666C>G on transcript NM_016203.4 (MANE Select); coding-DNA position 1666, C replaced by G.
Protein change: p.Leu556Val; replaces leucine 556 with valine.
Molecular consequence: missense variant.
Genome position (GRCh38, 1-based): chr7:151,560,536, G>C on the plus strand (C>G on the coding strand, the complement: PRKAG2 is on the minus strand). VCF-style: chr7-151560536-G-C. GRCh37 (hg19) VCF-style: chr7-151257622-G-C.
Other names: c.1534C>G, p.Leu512Val (NM_001040633.2, NM_001407024.1); c.1291C>G, p.Leu431Val (NM_001304527.2, NM_001407029.1); c.943C>G, p.Leu315Val (NM_001304531.2, NM_001407034.1, NM_001407035.1 and 1 more transcripts); c.1294C>G, p.Leu432Val (NM_001363698.2, NM_001407028.1); c.1666C>G, p.Leu556Val (NM_001407021.1); c.1663C>G, p.Leu555Val (NM_001407022.1, NM_001407023.1); c.1531C>G, p.Leu511Val (NM_001407026.1, NM_001407027.1); c.1378C>G, p.Leu460Val (NM_001407030.1); and 6 more; short protein forms L431V, L432V, L450V, L459V, L555V, L315V, L512V, L314V.
Identifiers: ClinVar variation 1777573 (VCV001777573.7), dbSNP rs2536231325, ClinGen allele CA370070252.